The following is an entry in ClinVar:

ClinVar aggregate classification (germline): Pathogenic. Review status: criteria provided, single submitter (1 of 4 stars). 2 submissions from 2 submitters: Pathogenic (1). 1 of the submissions does not count toward it.

Conditions:
Dystonia 31. Also called: ZECH-BOESCH SYNDROME. Identifiers: MedGen C5562001, MONDO:0030455, OMIM 619565.

Allele frequency attached by ClinVar (database versions not stated): gnomAD 0.00001 and 0.00002; gnomAD exomes 0.00001; TOPMed 0.00002; 1000 Genomes Project 30x 0.00016; 1000 Genomes Project 0.00020.
gnomAD v4.1: 32 of 1,512,178 alleles (0.0021%); highest among the groups gnomAD compares: Admixed American, 0.0086%; no homozygotes.

Submissions (2):

Juno Genomics, Hangzhou Juno Genomics, Inc
Classification: Pathogenic for Dystonia 31. Review status: criteria provided, single submitter. Criteria: ACMG Guidelines, 2015. Collection method: clinical testing. Allele origin: germline. Affected: yes.
Comment: Absent from controls (or at extremely low frequency if recessive) in Genome Aggregation Database, Exome Sequencing Project, 1000 Genomes Project, or Exome Aggregation Consortium.;Null variant in a gene where loss of function (LOF) is a known mechanism of disease.;For recessive disorders, detected in trans with a pathogenic variant.;Patient's phenotype or family history is highly specific for a disease with a single genetic etiology.

OMIM
Classification: Pathogenic for DYSTONIA 31. Last evaluated: 2022-01-28. Review status: no assertion criteria provided. Collection method: literature only. Allele origin: germline. Not counted in ClinVar's aggregate classification.

Literature cited by the submitters: PubMed 34596301 (cited by OMIM).

NM_001193329.3(AOPEP):c.1477C>T (p.Arg493Ter)

Gene: AOPEP (aminopeptidase O (putative); plus strand). Cytogenetic location: 9q22.32.
Variant type: single nucleotide variant.
Coding change: c.1477C>T on transcript NM_001193329.3 (MANE Select); coding-DNA position 1477, C replaced by T.
Protein change: p.Arg493Ter; replaces arginine 493 with a stop codon.
Molecular consequence: nonsense. On other transcripts: non-coding transcript variant (3), intron variant (4).
Genome position (GRCh38, 1-based): chr9:94,924,098, C>T. VCF-style: chr9-94924098-C-T. GRCh37 (hg19) VCF-style: chr9-97686380-C-T.
Other names: AOPEP, ARG493TER (rs577000059); c.1477C>T, p.Arg493Ter (NM_001193331.3, NM_001386063.2, NM_001386066.1 and 7 more transcripts); c.1156C>T, p.Arg386Ter (NM_001386062.2); c.607C>T, p.Arg203Ter (NM_001386073.1); c.1365-31079C>T (NM_032823.6, NM_001386069.1); c.1365-55269C>T (NM_001386067.1); c.372-31079C>T (NM_001386061.1); short protein forms R493*, R203*, R386*.
Identifiers: ClinVar variation 1319959 (VCV001319959.4), dbSNP rs577000059, ClinGen allele CA196792089.